The following is an entry in ClinVar:

ClinVar aggregate classification (germline): Uncertain significance (1 of 4 stars; one submission).

Conditions:
Methylcobalamin deficiency type cblG (HMAG). Also called: HOMOCYSTINURIA-MEGALOBLASTIC ANEMIA, cblG COMPLEMENTATION TYPE; HOMOCYSTINURIA-MEGALOBLASTIC ANEMIA, cblG TYPE; Functional methionine synthase deficiency type cblG; HOMOCYSTINURIA-MEGALOBLASTIC ANEMIA DUE TO DEFECT IN COBALAMIN METABOLISM, cblG COMPLEMENTATION TYPE. Identifiers: Orphanet 2170, Orphanet 622, MedGen C1855128, MONDO:0009609, OMIM 250940.

Allele frequency attached by ClinVar (database versions not stated): TOPMed 0.00001; gnomAD 0.00003.

Submission:

Labcorp Genetics (formerly Invitae), Labcorp
Classification: Uncertain significance for Methylcobalamin deficiency type cblG. Last evaluated: 2022-08-05. Review status: criteria provided, single submitter. Criteria: Invitae Variant Classification Sherloc (09022015). Collection method: clinical testing. Allele origin: germline.
Comment: This sequence change replaces aspartic acid, which is acidic and polar, with histidine, which is basic and polar, at codon 91 of the MTR protein (p.Asp91His). This variant is present in population databases (no rsID available, gnomAD 0.01%). This variant has not been reported in the literature in individuals affected with MTR-related conditions. Algorithms developed to predict the effect of missense changes on protein structure and function are either unavailable or do not agree on the potential impact of this missense change (SIFT: "Deleterious"; PolyPhen-2: "Possibly Damaging"; Align-GVGD: "Class C0"). In summary, the available evidence is currently insufficient to determine the role of this variant in disease. Therefore, it has been classified as a Variant of Uncertain Significance.

NM_000254.3(MTR):c.271G>C (p.Asp91His)

Gene: MTR (5-methyltetrahydrofolate-homocysteine methyltransferase; plus strand). Cytogenetic location: 1q43.
Variant type: single nucleotide variant.
Coding change: c.271G>C on transcript NM_000254.3 (MANE Select); coding-DNA position 271, G replaced by C.
Protein change: p.Asp91His; replaces aspartic acid 91 with histidine.
Molecular consequence: missense variant. On other transcripts: 5 prime UTR variant (1).
Genome position (GRCh38, 1-based): chr1:236,806,165, G>C. VCF-style: chr1-236806165-G-C. GRCh37 (hg19) VCF-style: chr1-236969465-G-C.
Other names: c.271G>C, p.Asp91His (NM_001291939.1, NM_001410942.1); c.-838G>C (NM_001291940.2); short protein forms D91H.
Identifiers: ClinVar variation 2054447 (VCV002054447.1), dbSNP rs956616795, ClinGen allele CA39732695.
Genomic context (GRCh38, chr1:236,806,165, plus strand): 5'-TCTAAAGCTCATAATTGACATTATAATCTCTTGTTGCAGGAATACTTGCTGGCTGGGGCA[G>C]ATATCATTGAAACAAATACTTTTAGCAGCACTAGTATTGCCCAAGCTGACTATGGCCTTG-3'
Protein context (NP_000245.2, residues 81-101): IHKEYLLAGA[Asp91His]IIETNTFSST